The following is an entry in ClinVar:

ClinVar aggregate classification (germline): Likely benign. Review status: criteria provided, multiple submitters, no conflicts (2 of 4 stars). 6 submissions from 6 submitters: Likely benign (3). 3 of the submissions do not count toward it. Last evaluated 2026-02-01.

Conditions:
MHC class I deficiency. Identifiers: Orphanet 34592, MedGen C6024714, MONDO:0011476.
TAP2-related disorder. Also called: TAP2-related condition.

Allele frequency attached by ClinVar (database versions not stated): 1000 Genomes Project 30x 0.00016; 1000 Genomes Project 0.00020; gnomAD 0.00083 and 0.00086; TOPMed 0.00100; gnomAD exomes 0.00105 and 0.00113; ESP Exome Variant Server 0.00107; ExAC 0.00121.

Submissions (6):

Labcorp Genetics (formerly Invitae), Labcorp
Classification: Likely benign for MHC class I deficiency 1. Last evaluated: 2026-02-01. Review status: criteria provided, single submitter. Criteria: Invitae Variant Classification Sherloc (09022015). Collection method: clinical testing. Allele origin: germline.

CeGaT Center for Human Genetics Tuebingen
Classification: Likely benign. Last evaluated: 2025-12-01. Review status: criteria provided, single submitter. Criteria: CeGaT Center For Human Genetics Tuebingen Variant Classification Criteria Version 2. Collection method: clinical testing. Allele origin: germline. Affected: yes. Observed: 1 variant allele.
Comment: TAP2: BP4, BS2

Blueprint Genetics
Classification: Likely benign. Last evaluated: 2024-10-11. Review status: criteria provided, single submitter. Criteria: ACMG Guidelines, 2015. Collection method: clinical testing. Allele origin: germline.

PreventionGenetics, part of Exact Sciences
Classification: Benign for TAP2-related condition. Last evaluated: 2019-10-02. Review status: no assertion criteria provided. Collection method: clinical testing. Allele origin: germline. Not counted in ClinVar's aggregate classification.
Comment: This variant is classified as benign based on ACMG/AMP sequence variant interpretation guidelines (Richards et al. 2015 PMID: 25741868, with internal and published modifications).

Clinical Genetics DNA and cytogenetics Diagnostics Lab, Erasmus MC, Erasmus Medical Center
Classification: Likely benign. Review status: no assertion criteria provided. Collection method: clinical testing. Allele origin: germline. Affected: yes. Study: VKGL Data-share Consensus. Not counted in ClinVar's aggregate classification.

Genome Diagnostics Laboratory, University Medical Center Utrecht
Classification: Likely benign. Review status: no assertion criteria provided. Collection method: clinical testing. Allele origin: germline. Affected: yes. Study: VKGL Data-share Consensus. Not counted in ClinVar's aggregate classification.

NM_001290043.2(TAP2):c.1462-7T>C

Gene: TAP2 (transporter 2, ATP binding cassette subfamily B member; minus strand). Cytogenetic location: 6p21.32.
Variant type: single nucleotide variant.
Coding change: c.1462-7T>C on transcript NM_001290043.2 (MANE Select); 7 bases into the intron before coding-DNA position 1462, T replaced by C.
Molecular consequence: intron variant.
Genome position (GRCh38, 1-based): chr6:32,830,447, A>G on the plus strand (T>C on the coding strand, the complement: TAP2 is on the minus strand). VCF-style: chr6-32830447-A-G. GRCh37 (hg19) VCF-style: chr6-32798224-A-G.
Other names: c.1462-7T>C (NM_018833.3, NM_000544.3).
Identifiers: ClinVar variation 534719 (VCV000534719.22), dbSNP rs201974007, ClinGen allele CA3745889.